The following is an entry in ClinVar:

NM_001130438.3(SPTAN1):c.1341G>C (p.Glu447Asp)

Gene: SPTAN1 (spectrin alpha, non-erythrocytic 1; plus strand). Cytogenetic location: 9q34.11.
Variant type: single nucleotide variant.
Coding change: c.1341G>C on transcript NM_001130438.3 (MANE Select); coding-DNA position 1341, G replaced by C.
Protein change: p.Glu447Asp; replaces glutamic acid 447 with aspartic acid.
Molecular consequence: missense variant.
Genome position (GRCh38, 1-based): chr9:128,580,939, G>C. VCF-style: chr9-128580939-G-C. GRCh37 (hg19) VCF-style: chr9-131343218-G-C.
Other names: c.1341G>C, p.Glu447Asp (NM_001195532.2, NM_001363759.2, NM_001363765.2 and 10 more transcripts); c.1377G>C, p.Glu459Asp (NM_001375312.2, NM_001375318.1, NM_001438440.1); short protein forms E447D, E459D.
Identifiers: ClinVar variation 4850554 (VCV004850554.1).
Genomic context (GRCh38, chr9:128,580,939, plus strand): 5'-GGGCTGACCTCATCTCCCTGACCATGTCTCCTATGCCCCCAAGCTGACCGTCCTTTCCGA[G>C]GAGAGAGCGGCGCTGCTGGAGCTGTGGGAGCTGCGCAGGCAGCAGTACGAGCAGTGCATG-3'
Protein context (NP_001123910.1, residues 437-457): EVREKLTVLS[Glu447Asp]ERAALLELWE

ClinVar aggregate classification (germline): Likely benign (1 of 4 stars; one submission).

Conditions:
Spastic paraplegia 91, autosomal dominant, with or without cerebellar ataxia (SPG91). Identifiers: MedGen C5882701, MONDO:0957813, OMIM 620538.

Submission:

Centre for Medical Genetics,  Mumbai
Classification: Likely benign for Spastic paraplegia 91, autosomal dominant, with or without cerebellar ataxia. Last evaluated: 2026-04-02. Review status: criteria provided, single submitter. Criteria: ACMG Guidelines, 2015. Collection method: provider interpretation. Allele origin: germline. Inheritance: Autosomal dominant inheritance. Affected: no. Observed: 1 variant allele, 1 heterozygote.
Comment: The variant satisfies PM2 criteria; Extremely low frequency in gnomAD population databases. The variant satisfies PP2 criteria; Missense variant in a gene with low rate of benign missense mutations and for which missense mutation is a common mechanism of a disease. The variant satisfies BP4 criteria; For a missense or a splice region variant, computational prediction tools unanimously support a benign effect on the gene. However, the variant satisfies BS2 criteria.

Literature cited by the submitters: PubMed 35150594.